The following is an entry in ClinVar:

NM_003031.4(SIAH1):c.-2-3015C>G

Gene: SIAH1 (siah E3 ubiquitin protein ligase 1; minus strand). Cytogenetic location: 16q12.1.
Variant type: single nucleotide variant.
Coding change: c.-2-3015C>G on transcript NM_003031.4 (MANE Select); 3015 bases into the intron before 2 bases upstream of the start codon, C replaced by G.
Molecular consequence: intron variant. On other transcripts: nonsense (1).
Genome position (GRCh38, 1-based): chr16:48,365,445, G>C on the plus strand (C>G on the coding strand, the complement: SIAH1 is on the minus strand). VCF-style: chr16-48365445-G-C. GRCh37 (hg19) VCF-style: chr16-48399356-G-C.
Other names: c.33C>G, p.Tyr11Ter (NM_001006610.2); short protein forms Y11*.
Identifiers: ClinVar variation 3342884 (VCV003342884.1).

ClinVar aggregate classification (germline): Uncertain significance (1 of 4 stars; one submission).

Submission:

GeneDx
Classification: Uncertain significance. Last evaluated: 2023-10-03. Review status: criteria provided, single submitter. Criteria: GeneDx Variant Classification Process June 2021. Collection method: clinical testing. Allele origin: germline. Affected: yes.
Comment: Not observed at significant frequency in large population cohorts (gnomAD); Nonsense variant predicted to result in protein truncation or nonsense mediated decay in a gene or region of a gene for which loss of function is not a well-established mechanism of disease; Has not been previously published as pathogenic or benign to our knowledge